The following is an entry in ClinVar:

ClinVar aggregate classification (germline): Likely pathogenic (1 of 4 stars; one submission).

Conditions:
Familial dysautonomia. Also called: FD; HSAN III. Identifiers: Orphanet 1764, MedGen C0013364, MONDO:0009131, OMIM 223900. Disease mechanism: loss of function.

Submission:

Natera, Inc.
Classification: Likely pathogenic for Familial dysautonomia. Last evaluated: 2025-01-30. Review status: criteria provided, single submitter. Criteria: Natera Variant Classification Schema (03/2026). Collection method: clinical testing. Allele origin: germline.
Comment: The c.1387_1391del variant in ELP1 is a frameshift variant predicted to shift the reading frame beginning at codon 463 and leads to a stop codon 10 codons downstream. This variant is expected to result in nonsense mediated decay, truncation, or a dysfunctional protein product. This variant is rare in the general population with a frequency below the threshold expected for the associated phenotype(s). Given the available evidence, this variant is classified as Likely Pathogenic.

NM_003640.5(ELP1):c.1387_1391del (p.Val463fs)

Gene: ELP1 (elongator acetyltransferase complex subunit 1; minus strand). Cytogenetic location: 9q31.3.
Variant type: Deletion.
Coding change: c.1387_1391del on transcript NM_003640.5 (MANE Select); coding-DNA positions 1387 to 1391, 5 bases deleted (GTGAA; older notation c.1387_1391delGTGAA).
Protein change: p.Val463fs; shifts the reading frame from valine 463.
Molecular consequence: frameshift variant.
Genome position (GRCh38, 1-based): chr9:108,908,374-108,908,378, TTCAC deleted on the plus strand (GTGAA on the coding strand, the reverse complement: ELP1 is on the minus strand); deleting any 5 consecutive bases within chr9:108,908,374-108,908,379 gives the same sequence; the c. name uses the placement nearest the transcript's 3' end. VCF-style (leftmost placement, unchanged base first): chr9-108908373-TTTCAC-T. GRCh37 (hg19) VCF-style: chr9-111670653-TTTCAC-T.
Other names: c.1045_1049del, p.Val349fs (NM_001318360.2); c.340_344del, p.Val114fs (NM_001330749.2); short protein forms V114fs, V349fs, V463fs.
Identifiers: ClinVar variation 4067322 (VCV004067322.2).